The following is an entry in ClinVar:

NM_024580.6(EFL1):c.271A>G (p.Ile91Val)

Gene: EFL1 (elongation factor like GTPase 1; minus strand). Cytogenetic location: 15q25.2.
Variant type: single nucleotide variant.
Coding change: c.271A>G on transcript NM_024580.6 (MANE Select); coding-DNA position 271, A replaced by G.
Protein change: p.Ile91Val; replaces isoleucine 91 with valine.
Molecular consequence: missense variant. On other transcripts: 5 prime UTR variant (1), non-coding transcript variant (1).
Genome position (GRCh38, 1-based): chr15:82,241,377, T>C on the plus strand (A>G on the coding strand, the complement: EFL1 is on the minus strand). VCF-style: chr15-82241377-T-C. GRCh37 (hg19) VCF-style: chr15-82533718-T-C.
Other names: c.118A>G, p.Ile40Val (NM_001040610.3); c.-519A>G (NM_001322844.2); c.271A>G, p.Ile91Val (NM_001322845.2); short protein forms I91V, I40V.
Identifiers: ClinVar variation 1370914 (VCV001370914.6), dbSNP rs1567076622, ClinGen allele CA393282654.

ClinVar aggregate classification (germline): Uncertain significance (1 of 4 stars; one submission).

Allele frequency attached by ClinVar (database versions not stated): gnomAD exomes below 0.00001 and 0.00001.
gnomAD v4.1: 3 of 1,614,056 alleles (0.00019%); highest among the groups gnomAD compares: Admixed American, 0.0017%; no homozygotes.

Submission:

Labcorp Genetics (formerly Invitae), Labcorp
Classification: Uncertain significance. Last evaluated: 2023-08-30. Review status: criteria provided, single submitter. Criteria: Invitae Variant Classification Sherloc (09022015). Collection method: clinical testing. Allele origin: germline.
Comment: In summary, the available evidence is currently insufficient to determine the role of this variant in disease. Therefore, it has been classified as a Variant of Uncertain Significance. Advanced modeling of protein sequence and biophysical properties (such as structural, functional, and spatial information, amino acid conservation, physicochemical variation, residue mobility, and thermodynamic stability) performed at Invitae indicates that this missense variant is not expected to disrupt EFL1 protein function. ClinVar contains an entry for this variant (Variation ID: 1370914). This variant has not been reported in the literature in individuals affected with EFL1-related conditions. This variant is not present in population databases (gnomAD no frequency). This sequence change replaces isoleucine, which is neutral and non-polar, with valine, which is neutral and non-polar, at codon 91 of the EFL1 protein (p.Ile91Val).